The following is an entry in ClinVar:

NM_014915.3(ANKRD26):c.1206T>G (p.Ser402Arg)

Gene: ANKRD26 (ankyrin repeat domain 26; minus strand). Cytogenetic location: 10p12.1.
Variant type: single nucleotide variant.
Coding change: c.1206T>G on transcript NM_014915.3 (MANE Select); coding-DNA position 1206, T replaced by G.
Protein change: p.Ser402Arg; replaces serine 402 with arginine.
Molecular consequence: missense variant.
Genome position (GRCh38, 1-based): chr10:27,067,158, A>C on the plus strand (T>G on the coding strand, the complement: ANKRD26 is on the minus strand). VCF-style: chr10-27067158-A-C. GRCh37 (hg19) VCF-style: chr10-27356087-A-C.
Other names: c.1206T>G, p.Ser402Arg (NM_001256053.2); short protein forms S402R.
Identifiers: ClinVar variation 2890536 (VCV002890536.4), dbSNP rs749595365, ClinGen allele CA5448666.

ClinVar aggregate classification (germline): Uncertain significance. Review status: criteria provided, multiple submitters, no conflicts (2 of 4 stars). 2 submissions from 2 submitters: Uncertain significance (2). Last evaluated 2025-01-10.

Conditions:
Inborn genetic diseases. Identifiers: MedGen C0950123, MeSH D030342.

Allele frequency attached by ClinVar (database versions not stated): gnomAD exomes below 0.00001; ExAC 0.00001; gnomAD 0.00001; TOPMed 0.00002.
gnomAD v4.1: 3 of 1,612,826 alleles (0.00019%); highest among the groups gnomAD compares: African/African-American, 0.004%; no homozygotes.

Submissions (2):

Ambry Genetics
Classification: Uncertain significance for Inborn genetic diseases. Last evaluated: 2025-01-10. Review status: criteria provided, single submitter. Criteria: Ambry Variant Classification Scheme 2023. Collection method: clinical testing. Allele origin: germline.
Comment: The p.S402R variant (also known as c.1206T>G), located in coding exon 10 of the ANKRD26 gene, results from a T to G substitution at nucleotide position 1206. The serine at codon 402 is replaced by arginine, an amino acid with dissimilar properties. This amino acid position is conserved. In addition, this alteration is predicted to be tolerated by in silico analysis. Based on the available evidence, the clinical significance of this variant remains unclear.

Labcorp Genetics (formerly Invitae), Labcorp
Classification: Uncertain significance. Last evaluated: 2023-08-19. Review status: criteria provided, single submitter. Criteria: Invitae Variant Classification Sherloc (09022015). Collection method: clinical testing. Allele origin: germline.
Comment: This sequence change replaces serine, which is neutral and polar, with arginine, which is basic and polar, at codon 402 of the ANKRD26 protein (p.Ser402Arg). This variant is present in population databases (rs749595365, gnomAD 0.007%). This variant has not been reported in the literature in individuals affected with ANKRD26-related conditions. Algorithms developed to predict the effect of missense changes on protein structure and function output the following: SIFT: "Not Available"; PolyPhen-2: "Benign"; Align-GVGD: "Not Available". The arginine amino acid residue is found in multiple mammalian species, which suggests that this missense change does not adversely affect protein function. In summary, the available evidence is currently insufficient to determine the role of this variant in disease. Therefore, it has been classified as a Variant of Uncertain Significance.